The following is an entry in ClinVar:

NM_017934.7(PHIP):c.3632A>G (p.Gln1211Arg)

Genes: IRAK1BP1 (interleukin 1 receptor associated kinase 1 binding protein 1; plus strand), PHIP (PHIP subunit of CUL4-Ring ligase complex; minus strand). Cytogenetic location: 6q14.1.
Variant type: single nucleotide variant.
Coding change: c.3632A>G on transcript NM_017934.7 (MANE Select); coding-DNA position 3632, A replaced by G.
Protein change: p.Gln1211Arg; replaces glutamine 1211 with arginine.
Molecular consequence: missense variant.
Genome position (GRCh38, 1-based): chr6:78,961,714, T>C on the plus strand (A>G on the coding strand, the complement: PHIP is on the minus strand). VCF-style: chr6-78961714-T-C. GRCh37 (hg19) VCF-style: chr6-79671431-T-C.
Other names: short protein forms Q1211R.
Identifiers: ClinVar variation 4884943 (VCV004884943.2).

ClinVar aggregate classification (germline): Uncertain significance (1 of 4 stars; one submission).

Submission:

Dasa
Classification: Uncertain significance. Last evaluated: 2026-02-20. Review status: criteria provided, single submitter. Criteria: DASA Assertion Criteria. Collection method: clinical testing. Allele origin: germline.
Comment: NM_017934.7(PHIP):c.3632A>G (p.Gln1211Arg) is a missense variant that results in the substitution of glutamine with arginine. This variant is rare in population databases. Computational prediction algorithms are consistent with a benign effect. The currently available literature and clinical evidence are not sufficient to establish a definitive association between this variant and the reported condition. Therefore, this variant is classified as a variant of uncertain significance.